The following is an entry in ClinVar:

NM_001204.7(BMPR2):c.1277-9A>G

Gene: BMPR2 (bone morphogenetic protein receptor type 2; plus strand). Cytogenetic location: 2q33.2.
Variant type: single nucleotide variant.
Coding change: c.1277-9A>G on transcript NM_001204.7 (MANE Select); 9 bases into the intron before coding-DNA position 1277, A replaced by G.
Molecular consequence: intron variant.
Genome position (GRCh38, 1-based): chr2:202,542,302, A>G. VCF-style: chr2-202542302-A-G. GRCh37 (hg19) VCF-style: chr2-203407025-A-G.
Other names: c.1277-9A>G (LRG_712t1).
Identifiers: ClinVar variation 425917 (VCV000425917.6), dbSNP rs1085307331, ClinGen allele CA645293838.
Genomic context (GRCh38, chr2:202,542,302, plus strand): 5'-ACCCCTGTTATTCTATCATTTATGATAGTTAGAAATTTTATTCTGTCATTCTTTTCTACA[A>G]ATCCACAGGGGAATCCGTACCAGAGTACCAGATGGCTTTTCAGACAGAGGTTGGAAACCA-3'

ClinVar aggregate classification (germline): Pathogenic. Review status: reviewed by expert panel (3 of 4 stars). 4 submissions from 4 submitters: Pathogenic (1). 3 of the submissions do not count toward it. Last evaluated 2026-04-10.

Conditions:
Pulmonary arterial hypertension. Identifiers: Orphanet 182090, MedGen C2973725, MeSH D000081029, MONDO:0015924, HP:0002092.
BMPR2-related disorder. Also called: BMPR2-related condition; BMPR2-related disorders.
Pulmonary hypertension, primary, 1 (PPH1). Also called: Pulmonary hypertension, familial primary, 1, with or without HHT. Identifiers: Orphanet 422, MedGen C4552070, MONDO:0024533, OMIM 178600.
Pulmonary venoocclusive disease 1 (PVOD1). Also called: Pulmonary venoocclusive disease 1, autosomal dominant. Identifiers: Orphanet 31837, MedGen C3887658, MONDO:0020713, OMIM 265450.

Submissions (4):

Clingen Pulmonary Hypertension Variant Curation Expert Panel, ClinGen
Classification: Pathogenic for Pulmonary arterial hypertension. Last evaluated: 2026-04-10. Review status: reviewed by expert panel. Criteria: ClinGen PH ACMG Specifications BMPR2 V2.0.0. Collection method: curation. Allele origin: germline. Inheritance: Autosomal dominant inheritance.
Comment: The BMPR2 c.1277-9A>G variant is a non-canonical splice site (-9) variant located in intron 9. The variant is absent from gnomAD v.2.1.1 and v4.1.0 (PM2_supporting) and was reported in four cases (PMID: 18356561, 20534176, 27613157) (PS4_moderate). In silico prediction (SpliceAI) indicates likely loss of the acceptor splice site (score = 0.97). cDNA analysis demonstrated an aberrant splice product leading to premature truncation (p.Gly426Aspfs*47) and, thus, likely nonsense mediated decay (PMID: 18356561) (PVS1 (RNA)). No familial segregation data were available. In summary, the variant meets the criteria to be classified as pathogenic for pulmonary arterial hypertension based on the ACMG/AMP criteria applied, as specified by the ClinGen Pulmonary Hypertension VCEP: PVS1(RNA), PS4_moderate, PM2_supporting (VCEP specification version 2.0, 1/30/2026).

Blueprint Genetics
Classification: Likely pathogenic for BMPR2-related disorders. Last evaluated: 2020-12-15. Review status: criteria provided, single submitter. Criteria: ACMG Guidelines, 2015. Collection method: clinical testing. Allele origin: germline. Affected: yes. Observed: 1 variant allele. Not counted in ClinVar's aggregate classification.

Juno Genomics, Hangzhou Juno Genomics, Inc
Classification: Pathogenic for Pulmonary hypertension, primary, 1; Pulmonary venoocclusive disease 1. Review status: criteria provided, single submitter. Criteria: ACMG Guidelines, 2015. Collection method: clinical testing. Allele origin: germline. Affected: yes. Not counted in ClinVar's aggregate classification.
Comment: Absent from controls (or at extremely low frequency if recessive) in Genome Aggregation Database, Exome Sequencing Project, 1000 Genomes Project, or Exome Aggregation Consortium.;Null variant in a gene where loss of function (LOF) is a known mechanism of disease.;The prevalence of the variant in affected individuals is significantly increased compared to the prevalence in controls.

Rare Disease Genomics Group, St George's University of London
Classification: Pathogenic for Primary pulmonary hypertension. Review status: no assertion criteria provided. Collection method: literature only. Allele origin: germline. Affected: yes. Not counted in ClinVar's aggregate classification.

Literature cited by the submitters: PubMed 19555857 (cited by Rare Disease Genomics Group, St George's University of London); PubMed 20534176 (cited by Rare Disease Genomics Group, St George's University of London).